The following is an entry in ClinVar:

NM_002473.6(MYH9):c.868+65A>G

Gene: MYH9 (myosin heavy chain 9; minus strand). Cytogenetic location: 22q12.3.
Variant type: single nucleotide variant.
Coding change: c.868+65A>G on transcript NM_002473.6 (MANE Select); 65 bases into the intron after coding-DNA position 868, A replaced by G.
Molecular consequence: intron variant.
Genome position (GRCh38, 1-based): chr22:36,320,733, T>C on the plus strand (A>G on the coding strand, the complement: MYH9 is on the minus strand). VCF-style: chr22-36320733-T-C. GRCh37 (hg19) VCF-style: chr22-36716778-T-C.
Identifiers: ClinVar variation 682531 (VCV000682531.2), dbSNP rs76083769, ClinGen allele CA14981918.
Genomic context (GRCh38, chr22:36,320,733, plus strand): 5'-CTCACTTCTCCCCGTTAAACCCAAGGCCAAAAGTTTTCATTTCCCAAATGATGTCTACGG[T>C]CCAATTCTGGCAAGAGGCCCAGAGCCCGGCAGCCCCGGTGTCAGGCTGCAGGCCAACTAC-3'

ClinVar aggregate classification (germline): Benign. Review status: criteria provided, multiple submitters, no conflicts (2 of 4 stars). 2 submissions from 2 submitters: Benign (2). Last evaluated 2018-06-16.

Allele frequency attached by ClinVar (database versions not stated): gnomAD exomes 0.05556; gnomAD 0.07700 and 0.07858; TOPMed 0.07834; 1000 Genomes Project 0.08167; 1000 Genomes Project 30x 0.08214.
gnomAD v4.1: 80,137 of 1,380,814 alleles (5.8%); highest among the groups gnomAD compares: African/African-American, 14%; 2,802 homozygotes.

Submissions (2):

GeneDx
Classification: Benign. Last evaluated: 2018-06-16. Review status: criteria provided, single submitter. Criteria: GeneDx Variant Classification (06012015). Collection method: clinical testing. Allele origin: germline. Affected: yes.
Comment: This variant is considered likely benign or benign based on one or more of the following criteria: it is a conservative change, it occurs at a poorly conserved position in the protein, it is predicted to be benign by multiple in silico algorithms, and/or has population frequency not consistent with disease.

Breakthrough Genomics
Classification: Benign. Review status: criteria provided, single submitter. Criteria: ACMG Guidelines, 2015. Collection method: not provided. Allele origin: germline. Inheritance: Autosomal dominant inheritance. Affected: yes.